The following is an entry in ClinVar:

NM_001385.3(DPYS):c.1492G>A (p.Ala498Thr)

Gene: DPYS (dihydropyrimidinase; minus strand). Cytogenetic location: 8q22.3.
Variant type: single nucleotide variant.
Coding change: c.1492G>A on transcript NM_001385.3 (MANE Select); coding-DNA position 1492, G replaced by A.
Protein change: p.Ala498Thr; replaces alanine 498 with threonine.
Molecular consequence: missense variant.
Genome position (GRCh38, 1-based): chr8:104,381,266, C>T on the plus strand (G>A on the coding strand, the complement: DPYS is on the minus strand). VCF-style: chr8-104381266-C-T. GRCh37 (hg19) VCF-style: chr8-105393494-C-T.
Other names: short protein forms A498T.
Identifiers: ClinVar variation 4754928 (VCV004754928.1).

ClinVar aggregate classification (germline): Uncertain significance (1 of 4 stars; one submission).

gnomAD v4.1: 28 of 1,614,018 alleles (0.0017%); highest among the groups gnomAD compares: African/African-American, 0.021%; no homozygotes.

Submission:

Labcorp Genetics (formerly Invitae), Labcorp
Classification: Uncertain significance. Last evaluated: 2025-05-06. Review status: criteria provided, single submitter. Criteria: Invitae Variant Classification Sherloc (09022015). Collection method: clinical testing. Allele origin: germline.
Comment: This sequence change replaces alanine, which is neutral and non-polar, with threonine, which is neutral and polar, at codon 498 of the DPYS protein (p.Ala498Thr). This variant is present in population databases (rs368932527, gnomAD 0.03%). This variant has not been reported in the literature in individuals affected with DPYS-related conditions. An algorithm developed to predict the effect of missense changes on protein structure and function outputs the following: PolyPhen-2: "Benign". The threonine amino acid residue is found in multiple mammalian species, which suggests that this missense change does not adversely affect protein function. In summary, the available evidence is currently insufficient to determine the role of this variant in disease. Therefore, it has been classified as a Variant of Uncertain Significance.